The following is an entry in ClinVar:

NM_133433.4(NIPBL):c.7047T>C (p.Tyr2349=)

Gene: NIPBL (NIPBL cohesin loading factor; plus strand). Cytogenetic location: 5p13.2.
Variant type: single nucleotide variant.
Coding change: c.7047T>C on transcript NM_133433.4 (MANE Select); coding-DNA position 7047, T replaced by C.
Protein change: p.Tyr2349=; no amino-acid change (tyrosine 2349 retained).
Molecular consequence: synonymous variant.
Genome position (GRCh38, 1-based): chr5:37,051,871, T>C. VCF-style: chr5-37051871-T-C. GRCh37 (hg19) VCF-style: chr5-37051973-T-C.
Other names: c.7047T>C, p.Tyr2349= (NM_015384.5).
Identifiers: ClinVar variation 702326 (VCV000702326.12), dbSNP rs398124470, ClinGen allele CA3237118.

ClinVar aggregate classification (germline): Likely benign. Review status: criteria provided, multiple submitters, no conflicts (2 of 4 stars). 2 submissions from 2 submitters: Likely benign (2). Last evaluated 2023-10-03.

Conditions:
Cornelia de Lange syndrome 1 (CDLS1). Also called: Brachmann de Lange syndrome; NIPBL-Related Cornelia de Lange Syndrome; TYPUS DEGENERATIVUS AMSTELODAMENSIS. Identifiers: Orphanet 199, MedGen C4551851, MONDO:0007387, OMIM 122470.

Allele frequency attached by ClinVar (database versions not stated): gnomAD exomes 0.00001 and 0.00010; gnomAD 0.00005 and 0.00006; ExAC 0.00007; TOPMed 0.00007.
gnomAD v4.1: 25 of 1,611,376 alleles (0.0016%); highest among the groups gnomAD compares: East Asian, 0.053%; no homozygotes.

Submissions (2):

Labcorp Genetics (formerly Invitae), Labcorp
Classification: Likely benign for Cornelia de Lange syndrome 1. Last evaluated: 2023-10-03. Review status: criteria provided, single submitter. Criteria: Invitae Variant Classification Sherloc (09022015). Collection method: clinical testing. Allele origin: germline.

Illumina Laboratory Services, Illumina
Classification: Likely benign for Cornelia de Lange syndrome 1. Last evaluated: 2018-01-13. Review status: criteria provided, single submitter. Criteria: ICSL Variant Classification Criteria 13 December 2019. Collection method: clinical testing. Allele origin: germline.
Comment: This variant was observed in the ICSL laboratory as part of a predisposition screen in an ostensibly healthy population. It had not been previously curated by ICSL or reported in the Human Gene Mutation Database (HGMD: prior to June 1st, 2018), and was therefore a candidate for classification through an automated scoring system. Utilizing variant allele frequency, disease prevalence and penetrance estimates, and inheritance mode, an automated score was calculated to assess if this variant is too frequent to cause the disease. Based on the score and internal cut-off values, a variant classified as likely benign is not then subjected to further curation. The score for this variant resulted in a classification of likely benign for this disease.